The following is an entry in ClinVar:

NR_004394.2(RNU6-1):n.56_57insG

Gene: RNU6-1 (RNA, U6 small nuclear 1; minus strand). Cytogenetic location: 15q23.
Variant type: Insertion.
Molecular consequence: non-coding transcript variant (on NR_004394.2).
Genome position: GRCh38 VCF-style: chr15-67839989-A-AC. GRCh37 (hg19) VCF-style: chr15-68132327-A-AC.
Other names: NC_000015.10:g.67839989_67839990insC.
Identifiers: ClinVar variation 4282509 (VCV004282509.1).

ClinVar aggregate classification (germline): Uncertain significance (1 of 4 stars; one submission).

Conditions:
Retinitis pigmentosa (RP). Identifiers: Orphanet 791, MedGen C0035334, MeSH D012174, MONDO:0019200, OMIM 268000. Inheritance: Autosomal dominant, autosomal recessive and X linked inheritance.

Submission:

Ophthalmic Genetics Group, Institute of Molecular and Clinical Ophthalmology Basel
Classification: Uncertain significance for Retinitis pigmentosa. Last evaluated: 2025-10-01. Review status: criteria provided, single submitter. Criteria: ACMG Guidelines, 2015. Collection method: research. Allele origin: germline. Affected: yes. Observed: 4 variant alleles.
Comment: The NR_004394.1:n.56_57insG variant is a single base-paitr insertion in RNU6-1. It was found in 2 unrelated probands with retinitis pigmentosa among ~5,000 cases tested. It is absent from gnomAD (v4.1.0) and from AllofUs and therefore PM2_sup was applied. It also was present in 2 affected family members and therefore PP1_mod was applied. It was also shown to affect a conserved region and to have an effect on the U4/U6 duplex modeled in 2D. In summary, using ACMG criteria and more specifically ClinGen recommendations, this variant was classified as a variant of uncertain significance (VUS) with PM2_sup and PP1_mod criteria.